The following is an entry in ClinVar:

NM_021224.6(ZNF462):c.5951G>T (p.Cys1984Phe)

Gene: ZNF462 (zinc finger protein 462; plus strand). Cytogenetic location: 9q31.2.
Variant type: single nucleotide variant.
Coding change: c.5951G>T on transcript NM_021224.6 (MANE Select); coding-DNA position 5951, G replaced by T.
Protein change: p.Cys1984Phe; replaces cysteine 1984 with phenylalanine.
Molecular consequence: missense variant.
Genome position (GRCh38, 1-based): chr9:106,930,628, G>T. VCF-style: chr9-106930628-G-T. GRCh37 (hg19) VCF-style: chr9-109692909-G-T.
Other names: c.3356G>T, p.Cys1119Phe (NM_001347997.2); short protein forms C1119F, C1984F.
Identifiers: ClinVar variation 3369735 (VCV003369735.1).
Genomic context (GRCh38, chr9:106,930,628, plus strand): 5'-AAGTGGTGGGCTACAAATGTAAATTCTGTGTGGAAGTGCACCCAACGCTCCGAGCCATCT[G>T]CAATCACCTCCGAAAGCACGTCCAGTATGGCAATGTCCCAGCTGTGTCAGCTGCTGTGAA-3'
Protein context (NP_067047.4, residues 1974-1994): VEVHPTLRAI[Cys1984Phe]NHLRKHVQYG

ClinVar aggregate classification (germline): Uncertain significance (1 of 4 stars; one submission).

Submission:

GeneDx
Classification: Uncertain significance. Last evaluated: 2024-02-26. Review status: criteria provided, single submitter. Criteria: GeneDx Variant Classification Process June 2021. Collection method: clinical testing. Allele origin: germline. Affected: yes.
Comment: Not observed at significant frequency in large population cohorts (gnomAD); In silico analysis supports that this missense variant has a deleterious effect on protein structure/function; Has not been previously published as pathogenic or benign to our knowledge